The following is an entry in ClinVar:

NM_003673.4(TCAP):c.472C>G (p.Arg158Gly)

Gene: TCAP (titin-cap; plus strand). Cytogenetic location: 17q12.
Variant type: single nucleotide variant.
Coding change: c.472C>G on transcript NM_003673.4 (MANE Select); coding-DNA position 472, C replaced by G.
Protein change: p.Arg158Gly; replaces arginine 158 with glycine.
Molecular consequence: missense variant.
Genome position (GRCh38, 1-based): chr17:39,666,077, C>G. VCF-style: chr17-39666077-C-G. GRCh37 (hg19) VCF-style: chr17-37822330-C-G.
Other names: short protein forms R158G.
Identifiers: ClinVar variation 3804986 (VCV003804986.2).

ClinVar aggregate classification (germline): Uncertain significance. Review status: criteria provided, multiple submitters, no conflicts (2 of 4 stars). 2 submissions from 2 submitters: Uncertain significance (2). Last evaluated 2025-11-17.

Conditions:
Cardiovascular phenotype. Identifiers: MedGen CN230736.
Hypertrophic cardiomyopathy 25 (CMH25). Also called: CARDIOMYOPATHY, FAMILIAL HYPERTROPHIC, 25. Identifiers: MedGen C4225408, MONDO:0011843, OMIM 607487.
Primary familial hypertrophic cardiomyopathy (HCM). Identifiers: Orphanet 99739, MedGen C0949658, MeSH D024741, MONDO:0024573. Inheritance: Various modes of inheritance.

Submissions (2):

Labcorp Genetics (formerly Invitae), Labcorp
Classification: Uncertain significance for Hypertrophic cardiomyopathy 25; Primary familial hypertrophic cardiomyopathy. Last evaluated: 2025-11-17. Review status: criteria provided, single submitter. Criteria: Invitae Variant Classification Sherloc (09022015). Collection method: clinical testing. Allele origin: germline.
Comment: This sequence change replaces arginine, which is basic and polar, with glycine, which is neutral and non-polar, at codon 158 of the TCAP protein (p.Arg158Gly). This variant is not present in population databases (gnomAD no frequency). This variant has not been reported in the literature in individuals affected with TCAP-related conditions. ClinVar contains an entry for this variant (Variation ID: 3804986). An algorithm developed to predict the effect of missense changes on protein structure and function (PolyPhen-2) suggests that this variant is likely to be disruptive. This variant disrupts the p.Arg158 amino acid residue in TCAP. Other variant(s) that disrupt this residue have been determined to be pathogenic (PMID: 26084686; internal data). This suggests that this residue is clinically significant, and that variants that disrupt this residue are likely to be disease-causing. In summary, the available evidence is currently insufficient to determine the role of this variant in disease. Therefore, it has been classified as a Variant of Uncertain Significance.

Ambry Genetics
Classification: Uncertain significance for Cardiovascular phenotype. Last evaluated: 2025-03-01. Review status: criteria provided, single submitter. Criteria: Ambry Variant Classification Scheme 2023. Collection method: clinical testing. Allele origin: germline.
Comment: The p.R158G variant (also known as c.472C>G), located in coding exon 2 of the TCAP gene, results from a C to G substitution at nucleotide position 472. The arginine at codon 158 is replaced by glycine, an amino acid with dissimilar properties. This amino acid position is highly conserved in available vertebrate species. In addition, this alteration is predicted to be deleterious by in silico analysis. Based on the available evidence, the clinical significance of this variant remains unclear.

Literature cited by the submitters: PubMed 26084686 (cited by Labcorp Genetics (formerly Invitae), Labcorp).